The following is an entry in ClinVar:

NM_022114.4(PRDM16):c.966del (p.Asn323fs)

Gene: PRDM16 (PR/SET domain 16; plus strand). Cytogenetic location: 1p36.32.
Variant type: Deletion.
Coding change: c.966del on transcript NM_022114.4 (MANE Select); coding-DNA position 966, one base deleted (C; older notation c.966delC).
Protein change: p.Asn323fs; shifts the reading frame from asparagine 323.
Molecular consequence: frameshift variant.
Genome position (GRCh38, 1-based): chr1:3,404,820, C deleted; the last of 2 consecutive C bases (chr1:3,404,819-3,404,820); deleting either gives the same sequence. VCF-style (leftmost placement, unchanged base first): chr1-3404818-TC-T. GRCh37 (hg19) VCF-style: chr1-3321382-TC-T.
Other names: c.966del, p.Asn323fs (NM_199454.3); short protein forms N323fs.
Identifiers: ClinVar variation 2108418 (VCV002108418.4), dbSNP rs2523842880, ClinGen allele CA2580062507.
Genomic context (GRCh38, chr1:3,404,818, plus strand): 5'-ATCCACACGGAGGAGCGCGAGTACAAATGCGACCAGTGTCCCAAGGCCTTCAACTGGAAG[TC>T]CAACCTCATCCGCCACCAGATGTCCCACGACAGCGGCAAACGCTTCGAATGTGAAAACTG-3'

ClinVar aggregate classification (germline): Uncertain significance (1 of 4 stars; one submission).

Conditions:
Left ventricular noncompaction 8 (LVNC8). Identifiers: Orphanet 154, Orphanet 54260, MedGen C3809288, MONDO:0014152, OMIM 615373.

Submission:

Labcorp Genetics (formerly Invitae), Labcorp
Classification: Uncertain significance for Left ventricular noncompaction 8. Last evaluated: 2022-03-10. Review status: criteria provided, single submitter. Criteria: Invitae Variant Classification Sherloc (09022015). Collection method: clinical testing. Allele origin: germline.
Comment: In summary, the available evidence is currently insufficient to determine the role of this variant in disease. Therefore, it has been classified as a Variant of Uncertain Significance. This variant has not been reported in the literature in individuals affected with PRDM16-related conditions. This variant is not present in population databases (gnomAD no frequency). This sequence change creates a premature translational stop signal (p.Asn323Thrfs*21) in the PRDM16 gene. It is expected to result in an absent or disrupted protein product. However, the current clinical and genetic evidence is not sufficient to establish whether loss-of-function variants in PRDM16 cause disease.